The following is an entry in ClinVar:

NM_201384.3(PLEC):c.3013C>T (p.His1005Tyr)

Gene: PLEC (plectin; minus strand). Cytogenetic location: 8q24.3.
Variant type: single nucleotide variant.
Coding change: c.3013C>T on transcript NM_201384.3 (MANE Select); coding-DNA position 3013, C replaced by T.
Protein change: p.His1005Tyr; replaces histidine 1005 with tyrosine.
Molecular consequence: missense variant.
Genome position (GRCh38, 1-based): chr8:143,929,482, G>A on the plus strand (C>T on the coding strand, the complement: PLEC is on the minus strand). VCF-style: chr8-143929482-G-A. GRCh37 (hg19) VCF-style: chr8-145003650-G-A.
Other names: c.3094C>T, p.His1032Tyr (NM_000445.5); c.2971C>T, p.His991Tyr (NM_201378.4); c.2947C>T, p.His983Tyr (NM_201379.3); c.3424C>T, p.His1142Tyr (NM_201380.4); c.2917C>T, p.His973Tyr (NM_201381.3); c.3013C>T, p.His1005Tyr (NM_201382.4); c.3025C>T, p.His1009Tyr (NM_201383.3); short protein forms H1009Y, H1142Y, H1005Y, H983Y, H991Y, H973Y, H1032Y.
Identifiers: ClinVar variation 577707 (VCV000577707.9), dbSNP rs781890669, ClinGen allele CA4927260.
Genomic context (GRCh38, chr8:143,929,482, plus strand): 5'-CGGCGATGCGCTGGGCACACTCCCGTGCCGGCTCTTTGTCCAGCGGCAGCCGCAGGCGGT[G>A]CACGGTGCGCGTCTCACAGGCCTCCAGCTGCAGCCGGATGTCTTTGAGCTCGGAGATGCA-3'
Protein context (NP_958786.1, residues 995-1015): QLEACETRTV[His1005Tyr]RLRLPLDKEP

ClinVar aggregate classification (germline): Uncertain significance (1 of 4 stars; one submission).

Conditions:
Epidermolysis bullosa simplex 5C, with pyloric atresia (EBS5C). Also called: PLEC1-Related Epidermolysis Bullosa with Pyloric Atresia; PLEC-Related Epidermolysis Bullosa with Pyloric Atresia; Epidermolysis bullosa simplex with pyloric atresia. Identifiers: Orphanet 158684, MedGen C2677349, MONDO:0012807, OMIM 612138.
Epidermolysis bullosa simplex with nail dystrophy (EBS5D). Identifiers: MedGen C4225309, MONDO:0014661, OMIM 616487.
Autosomal recessive limb-girdle muscular dystrophy type 2Q (LGMDR17). Also called: MUSCULAR DYSTROPHY, LIMB-GIRDLE, AUTOSOMAL RECESSIVE 17. Identifiers: Orphanet 254361, MedGen C3150989, MONDO:0013390, OMIM 613723.
Epidermolysis bullosa simplex 5B, with muscular dystrophy (EBS5B). Also called: Epidermolysis bullosa simplex with muscular dystrophy; EPIDERMOLYSIS BULLOSA SIMPLEX AND LIMB-GIRDLE MUSCULAR DYSTROPHY. Identifiers: Orphanet 257, MedGen C2931072, MONDO:0009181, OMIM 226670.
Epidermolysis bullosa simplex, Ogna type (EBS5A). Also called: Pidermolysis bullosa simplex 5A, Ogna type; EPIDERMOLYSIS BULLOSA SIMPLEX 5A, OGNA TYPE. Identifiers: Orphanet 79401, MedGen C0432317, MONDO:0007555, OMIM 131950.

Allele frequency attached by ClinVar (database versions not stated): gnomAD exomes below 0.00001; ExAC 0.00002.
gnomAD v4.1: 4 of 1,604,940 alleles (0.00025%); highest among the groups gnomAD compares: Non-Finnish European, 0.00017%; no homozygotes.

Submission:

Labcorp Genetics (formerly Invitae), Labcorp
Classification: Uncertain significance for Autosomal recessive limb-girdle muscular dystrophy type 2Q; Epidermolysis bullosa simplex, Ogna type; Epidermolysis bullosa simplex with nail dystrophy; Epidermolysis bullosa simplex 5C, with pyloric atresia; Epidermolysis bullosa simplex 5B, with muscular dystrophy. Last evaluated: 2025-01-20. Review status: criteria provided, single submitter. Criteria: Invitae Variant Classification Sherloc (09022015). Collection method: clinical testing. Allele origin: germline.
Comment: This sequence change replaces histidine, which is basic and polar, with tyrosine, which is neutral and polar, at codon 1032 of the PLEC protein (p.His1032Tyr). The frequency data for this variant in the population databases is considered unreliable, as metrics indicate poor data quality at this position in the gnomAD database. This variant has not been reported in the literature in individuals affected with PLEC-related conditions. ClinVar contains an entry for this variant (Variation ID: 577707). Invitae Evidence Modeling of protein sequence and biophysical properties (such as structural, functional, and spatial information, amino acid conservation, physicochemical variation, residue mobility, and thermodynamic stability) indicates that this missense variant is not expected to disrupt PLEC protein function with a negative predictive value of 80%. In summary, the available evidence is currently insufficient to determine the role of this variant in disease. Therefore, it has been classified as a Variant of Uncertain Significance.